The following is an entry in ClinVar:

ClinVar aggregate classification (germline): Uncertain significance. Review status: criteria provided, multiple submitters, no conflicts (2 of 4 stars). 2 submissions from 2 submitters: Uncertain significance (2). Last evaluated 2024-11-28.

Conditions:
Inborn genetic diseases. Identifiers: MedGen C0950123, MeSH D030342.

gnomAD v4.1: 7 of 1,611,424 alleles (0.00043%); highest among the groups gnomAD compares: Non-Finnish European, 0.00059%; no homozygotes.

Submissions (2):

Ambry Genetics
Classification: Uncertain significance for Inborn genetic diseases. Last evaluated: 2024-11-28. Review status: criteria provided, single submitter. Criteria: Ambry Variant Classification Scheme 2023. Collection method: clinical testing. Allele origin: germline.
Comment: The p.G27R variant (also known as c.79G>A), located in coding exon 1 of the ANKRD26 gene, results from a G to A substitution at nucleotide position 79. The glycine at codon 27 is replaced by arginine, an amino acid with dissimilar properties. This amino acid position is conserved. In addition, this alteration is predicted to be tolerated by in silico analysis. Based on the available evidence, the clinical significance of this variant remains unclear.

GeneDx
Classification: Uncertain significance. Last evaluated: 2024-01-02. Review status: criteria provided, single submitter. Criteria: GeneDx Variant Classification Process June 2021. Collection method: clinical testing. Allele origin: germline. Affected: yes.
Comment: Not observed at significant frequency in large population cohorts (gnomAD); In silico analysis supports that this missense variant has a deleterious effect on protein structure/function; Has not been previously published as pathogenic or benign to our knowledge

NM_014915.3(ANKRD26):c.79G>A (p.Gly27Arg)

Genes: ANKRD26 (ankyrin repeat domain containing 26; minus strand), LOC130003554 (ATAC-STARR-seq lymphoblastoid silent region 2243; plus strand). Cytogenetic location: 10p12.1.
Variant type: single nucleotide variant.
Coding change: c.79G>A on transcript NM_014915.3 (MANE Select); coding-DNA position 79, G replaced by A.
Protein change: p.Gly27Arg; replaces glycine 27 with arginine.
Molecular consequence: missense variant.
Genome position (GRCh38, 1-based): chr10:27,100,248, C>T on the plus strand (G>A on the coding strand, the complement: ANKRD26 is on the minus strand). VCF-style: chr10-27100248-C-T. GRCh37 (hg19) VCF-style: chr10-27389177-C-T.
Other names: c.79G>A, p.Gly27Arg (NM_001256053.2); short protein forms G27R.
Identifiers: ClinVar variation 3367472 (VCV003367472.2).